The following is an entry in ClinVar:

ClinVar aggregate classification (germline): Uncertain significance. Review status: criteria provided, multiple submitters, no conflicts (2 of 4 stars). 4 submissions from 4 submitters: Uncertain significance (3). 1 of the submissions does not count toward it. Last evaluated 2022-03-19.

Conditions:
Kostmann syndrome (SCN3). Also called: KOSTMANN DISEASE; Autosomal recessive severe congenital neutropenia type 3. Identifiers: Orphanet 99749, MedGen C5235141, MONDO:0012548, OMIM 610738.

Allele frequency attached by ClinVar (database versions not stated): gnomAD 0.00004; gnomAD exomes 0.00004 and 0.00007; ExAC 0.00007; TOPMed 0.00007.
gnomAD v4.1: 63 of 1,611,096 alleles (0.0039%); highest among the groups gnomAD compares: Non-Finnish European, 0.00076%; no homozygotes.

Submissions (4):

Labcorp Genetics (formerly Invitae), Labcorp
Classification: Uncertain significance for Kostmann syndrome. Last evaluated: 2022-03-19. Review status: criteria provided, single submitter. Criteria: Invitae Variant Classification Sherloc (09022015). Collection method: clinical testing. Allele origin: germline.
Comment: This sequence change replaces serine, which is neutral and polar, with proline, which is neutral and non-polar, at codon 192 of the HAX1 protein (p.Ser192Pro). This variant is present in population databases (rs751426915, gnomAD 0.2%). This variant has not been reported in the literature in individuals affected with HAX1-related conditions. ClinVar contains an entry for this variant (Variation ID: 292706). Algorithms developed to predict the effect of missense changes on protein structure and function are either unavailable or do not agree on the potential impact of this missense change (SIFT: "Deleterious"; PolyPhen-2: "Possibly Damaging"; Align-GVGD: "Class C0"). In summary, the available evidence is currently insufficient to determine the role of this variant in disease. Therefore, it has been classified as a Variant of Uncertain Significance.

GeneDx
Classification: Uncertain significance. Last evaluated: 2019-05-21. Review status: criteria provided, single submitter. Criteria: GeneDx Variant Classification Process June 2021. Collection method: clinical testing. Allele origin: germline. Affected: yes.
Comment: In silico analysis, which includes protein predictors and evolutionary conservation, supports a deleterious effect; Has not been previously published as pathogenic or benign to our knowledge

Illumina Laboratory Services, Illumina
Classification: Uncertain significance for Kostmann syndrome. Last evaluated: 2018-01-12. Review status: criteria provided, single submitter. Criteria: ICSL Variant Classification Criteria 13 December 2019. Collection method: clinical testing. Allele origin: germline.

Natera, Inc.
Classification: Uncertain significance for Autosomal recessive severe congenital neutropenia type 3. Last evaluated: 2019-10-28. Review status: no assertion criteria provided. Collection method: clinical testing. Allele origin: germline. Not counted in ClinVar's aggregate classification.

NM_006118.4(HAX1):c.574T>C (p.Ser192Pro)

Gene: HAX1 (HCLS1 associated protein X-1; plus strand). Cytogenetic location: 1q21.3.
Variant type: single nucleotide variant.
Coding change: c.574T>C on transcript NM_006118.4 (MANE Select); coding-DNA position 574, T replaced by C.
Protein change: p.Ser192Pro; replaces serine 192 with proline.
Molecular consequence: missense variant.
Genome position (GRCh38, 1-based): chr1:154,275,171, T>C. VCF-style: chr1-154275171-T-C. GRCh37 (hg19) VCF-style: chr1-154247647-T-C.
Other names: c.430T>C, p.Ser144Pro (NM_001018837.2); short protein forms S192P, S144P.
Identifiers: ClinVar variation 292706 (VCV000292706.11), dbSNP rs751426915, ClinGen allele CA1127410.